The following is an entry in ClinVar:

ClinVar aggregate classification (germline): Uncertain significance (1 of 4 stars; one submission).

Submission:

Labcorp Genetics (formerly Invitae), Labcorp
Classification: Uncertain significance. Last evaluated: 2024-11-11. Review status: criteria provided, single submitter. Criteria: Invitae Variant Classification Sherloc (09022015). Collection method: clinical testing. Allele origin: germline.
Comment: This sequence change replaces valine, which is neutral and non-polar, with alanine, which is neutral and non-polar, at codon 977 of the DMXL2 protein (p.Val977Ala). This variant is not present in population databases (gnomAD no frequency). This variant has not been reported in the literature in individuals affected with DMXL2-related conditions. ClinVar contains an entry for this variant (Variation ID: 1396805). An algorithm developed to predict the effect of missense changes on protein structure and function (PolyPhen-2) suggests that this variant is likely to be disruptive. In summary, the available evidence is currently insufficient to determine the role of this variant in disease. Therefore, it has been classified as a Variant of Uncertain Significance.

NM_001378457.1(DMXL2):c.2930T>C (p.Val977Ala)

Gene: DMXL2 (Dmx like 2; minus strand). Cytogenetic location: 15q21.2.
Variant type: single nucleotide variant.
Coding change: c.2930T>C on transcript NM_001378457.1 (MANE Select); coding-DNA position 2930, T replaced by C.
Protein change: p.Val977Ala; replaces valine 977 with alanine.
Molecular consequence: missense variant. On other transcripts: non-coding transcript variant (2), intron variant (2).
Genome position (GRCh38, 1-based): chr15:51,502,868, A>G on the plus strand (T>C on the coding strand, the complement: DMXL2 is on the minus strand). VCF-style: chr15-51502868-A-G. GRCh37 (hg19) VCF-style: chr15-51795065-A-G.
Other names: c.2930T>C, p.Val977Ala (NM_001174116.3, NM_001378458.1, NM_001378459.1 and 4 more transcripts); c.2690T>C, p.Val897Ala (NM_001378464.1); c.2764+4266T>C (NM_001378460.1, NM_001174117.3); short protein forms V897A, V977A.
Identifiers: ClinVar variation 1396805 (VCV001396805.8), dbSNP rs2140514328, ClinGen allele CA392438267.